The following is an entry in ClinVar:

NM_001032283.3(TMPO):c.382G>A (p.Gly128Arg)

Gene: TMPO (thymopoietin; plus strand). Cytogenetic location: 12q23.1.
Variant type: single nucleotide variant.
Coding change: c.382G>A on transcript NM_001032283.3 (MANE Select); coding-DNA position 382, G replaced by A.
Protein change: p.Gly128Arg; replaces glycine 128 with arginine.
Molecular consequence: missense variant.
Genome position (GRCh38, 1-based): chr12:98,527,988, G>A. VCF-style: chr12-98527988-G-A. GRCh37 (hg19) VCF-style: chr12-98921766-G-A.
Other names: c.382G>A, p.Gly128Arg (NM_001032284.3, NM_001307975.2, NM_003276.2); short protein forms G128R.
Identifiers: ClinVar variation 191788 (VCV000191788.6), dbSNP rs200943582, ClinGen allele CA237546.

ClinVar aggregate classification (germline): Uncertain significance. Review status: criteria provided, multiple submitters, no conflicts (2 of 4 stars). 2 submissions from 2 submitters: Uncertain significance (2). Last evaluated 2022-09-19.

Conditions:
Loeys-Dietz syndrome 2 (LDS2). Also called: TGFBR2-Related Loeys-Dietz Syndrome; Marfan Syndrome type 2; Marfan like connective tissue disorder; MFS 2; Marfan syndrome, type 2 (formerly); AORTIC ANEURYSM, FAMILIAL THORACIC 3. Identifiers: Orphanet 284973, Orphanet 558, MedGen C2674574, MONDO:0012427, OMIM 610168.

Allele frequency attached by ClinVar (database versions not stated): gnomAD 0.00001; gnomAD exomes 0.00001; TOPMed 0.00001; ExAC 0.00002.
gnomAD v4.1: 12 of 1,613,748 alleles (0.00074%); highest among the groups gnomAD compares: South Asian, 0.0022%; no homozygotes.

Submissions (2):

Labcorp Genetics (formerly Invitae), Labcorp
Classification: Uncertain significance for Loeys-Dietz syndrome 2. Last evaluated: 2022-09-19. Review status: criteria provided, single submitter. Criteria: Invitae Variant Classification Sherloc (09022015). Collection method: clinical testing. Allele origin: germline.
Comment: In summary, the available evidence is currently insufficient to determine the role of this variant in disease. Therefore, it has been classified as a Variant of Uncertain Significance. This sequence change replaces glycine, which is neutral and non-polar, with arginine, which is basic and polar, at codon 128 of the TMPO protein (p.Gly128Arg). This variant is present in population databases (rs200943582, gnomAD 0.003%). This variant has not been reported in the literature in individuals affected with TMPO-related conditions. ClinVar contains an entry for this variant (Variation ID: 191788). Algorithms developed to predict the effect of missense changes on protein structure and function (SIFT, PolyPhen-2, Align-GVGD) all suggest that this variant is likely to be disruptive.

Biesecker Lab/Clinical Genomics Section, National Institutes of Health
Classification: Uncertain significance. Last evaluated: 2013-06-24. Review status: criteria provided, single submitter. Criteria: Ng et al. (Circ Cardiovasc Genet. 2013). Collection method: research. Allele origin: unknown. Observed: 1 variant allele. Study: ClinSeq.
Comment: The study set was not selected for affection status in relation to any cancer. Pathogenicity categories were based on literature curation. See Pubmed ID:23861362 for details.

Medical sequencing